The following is an entry in ClinVar:

ClinVar aggregate classification (germline): Uncertain significance (1 of 4 stars; one submission).

gnomAD v4.1: 6 of 1,614,074 alleles (0.00037%); highest among the groups gnomAD compares: Admixed American, 0.01%; no homozygotes.

Submission:

Labcorp Genetics (formerly Invitae), Labcorp
Classification: Uncertain significance. Last evaluated: 2025-02-23. Review status: criteria provided, single submitter. Criteria: Invitae Variant Classification Sherloc (09022015). Collection method: clinical testing. Allele origin: germline.
Comment: This sequence change replaces threonine, which is neutral and polar, with lysine, which is basic and polar, at codon 922 of the KANK1 protein (p.Thr922Lys). This variant is present in population databases (no rsID available, gnomAD 0.01%). This variant has not been reported in the literature in individuals affected with KANK1-related conditions. ClinVar contains an entry for this variant (Variation ID: 1917810). Invitae Evidence Modeling of protein sequence and biophysical properties (such as structural, functional, and spatial information, amino acid conservation, physicochemical variation, residue mobility, and thermodynamic stability) indicates that this missense variant is not expected to disrupt KANK1 protein function with a negative predictive value of 80%. In summary, the available evidence is currently insufficient to determine the role of this variant in disease. Therefore, it has been classified as a Variant of Uncertain Significance.

NM_015158.5(KANK1):c.2765C>A (p.Thr922Lys)

Gene: KANK1 (KN motif and ankyrin repeat domains 1; plus strand). Cytogenetic location: 9p24.3.
Variant type: single nucleotide variant.
Coding change: c.2765C>A on transcript NM_015158.5 (MANE Select); coding-DNA position 2765, C replaced by A.
Protein change: p.Thr922Lys; replaces threonine 922 with lysine.
Molecular consequence: missense variant. On other transcripts: non-coding transcript variant (1).
Genome position (GRCh38, 1-based): chr9:730,117, C>A. VCF-style: chr9-730117-C-A. GRCh37 (hg19) VCF-style: chr9-730117-C-A.
Other names: c.2765C>A, p.Thr922Lys (NM_001256876.3, NM_001256877.3, NM_001354331.2 and 2 more transcripts); c.2291C>A, p.Thr764Lys (NM_001354333.2, NM_001354335.2, NM_001354336.2 and 9 more transcripts); short protein forms T922K, T764K.
Identifiers: ClinVar variation 1917810 (VCV001917810.5), dbSNP rs535343937, ClinGen allele CA372753780.